The following is an entry in ClinVar:

ClinVar aggregate classification (germline): Uncertain significance. Review status: criteria provided, multiple submitters, no conflicts (2 of 4 stars). 4 submissions from 4 submitters: Uncertain significance (4). Last evaluated 2022-07-19.

Conditions:
Primary ciliary dyskinesia 11. Also called: CILIARY DYSKINESIA, PRIMARY, 11, WITHOUT SITUS INVERSUS. Identifiers: Orphanet 244, MedGen C2675229, MONDO:0012978, OMIM 612649.
Primary ciliary dyskinesia. Also called: Ciliary dyskinesia. Identifiers: Orphanet 244, MedGen C0008780, MONDO:0016575, HP:0012265.

Allele frequency attached by ClinVar (database versions not stated): TOPMed below 0.00001; ExAC 0.00001; gnomAD 0.00001; gnomAD exomes 0.00001.
gnomAD v4.1: 7 of 1,614,024 alleles (0.00043%); highest among the groups gnomAD compares: Admixed American, 0.0017%; no homozygotes.

Submissions (4):

Labcorp Genetics (formerly Invitae), Labcorp
Classification: Uncertain significance for Primary ciliary dyskinesia. Last evaluated: 2022-07-19. Review status: criteria provided, single submitter. Criteria: Invitae Variant Classification Sherloc (09022015). Collection method: clinical testing. Allele origin: germline.
Comment: This sequence change replaces alanine, which is neutral and non-polar, with glutamic acid, which is acidic and polar, at codon 493 of the RSPH4A protein (p.Ala493Glu). In summary, the available evidence is currently insufficient to determine the role of this variant in disease. Therefore, it has been classified as a Variant of Uncertain Significance. Algorithms developed to predict the effect of missense changes on protein structure and function are either unavailable or do not agree on the potential impact of this missense change (SIFT: "Deleterious"; PolyPhen-2: "Probably Damaging"; Align-GVGD: "Class C0"). ClinVar contains an entry for this variant (Variation ID: 905826). This variant has not been reported in the literature in individuals affected with RSPH4A-related conditions. This variant is present in population databases (rs753449428, gnomAD 0.0009%).

Blueprint Genetics
Classification: Uncertain significance. Last evaluated: 2022-06-07. Review status: criteria provided, single submitter. Criteria: ACMG Guidelines, 2015. Collection method: clinical testing. Allele origin: germline.

GeneDx
Classification: Uncertain significance. Last evaluated: 2019-04-29. Review status: criteria provided, single submitter. Criteria: GeneDx Variant Classification Process June 2021. Collection method: clinical testing. Allele origin: germline. Affected: yes.
Comment: Not observed at a significant frequency in large population cohorts (Lek et al., 2016); In silico analysis, which includes protein predictors and evolutionary conservation, supports a deleterious effect; Has not been previously published as pathogenic or benign to our knowledge

Illumina Laboratory Services, Illumina
Classification: Uncertain significance for Primary ciliary dyskinesia 11. Last evaluated: 2018-01-12. Review status: criteria provided, single submitter. Criteria: ICSL Variant Classification Criteria 13 December 2019. Collection method: clinical testing. Allele origin: germline.

NM_001010892.3(RSPH4A):c.1478C>A (p.Ala493Glu)

Gene: RSPH4A (radial spoke head component 4A; plus strand). Cytogenetic location: 6q22.1.
Variant type: single nucleotide variant.
Coding change: c.1478C>A on transcript NM_001010892.3 (MANE Select); coding-DNA position 1478, C replaced by A.
Protein change: p.Ala493Glu; replaces alanine 493 with glutamic acid.
Molecular consequence: missense variant.
Genome position (GRCh38, 1-based): chr6:116,628,185, C>A. VCF-style: chr6-116628185-C-A. GRCh37 (hg19) VCF-style: chr6-116949348-C-A.
Other names: c.1478C>A, p.Ala493Glu (NM_001161664.2); short protein forms A493E.
Identifiers: ClinVar variation 905826 (VCV000905826.14), dbSNP rs753449428, ClinGen allele CA3970956.
Genomic context (GRCh38, chr6:116,628,185, plus strand): 5'-ACCCACCTTTCCCAGGAAATGAGAGTAATTATTTACGAGCACAAATTGCCCGAATTTCAG[C>A]AGGAACCCACGTCAGTCCTCTAGGATTTTATCAGTTTGGTGAAGAGGAAGGAGAGGAGGA-3'
Protein context (NP_001010892.1, residues 483-503): YLRAQIARIS[Ala493Glu]GTHVSPLGFY